The following is an entry in ClinVar:

NM_001243177.4(ALDOA):c.225C>T (p.His75=)

Genes: ALDOA (aldolase, fructose-bisphosphate A; plus strand), LOC112694756 (uncharaterized LOC112694756; plus strand). Cytogenetic location: 16p11.2.
Variant type: single nucleotide variant.
Coding change: c.225C>T on transcript NM_001243177.4 (MANE Select); coding-DNA position 225, C replaced by T.
Protein change: p.His75=; no amino-acid change (histidine 75 retained).
Molecular consequence: synonymous variant. On other transcripts: 3 prime UTR variant (3).
Genome position (GRCh38, 1-based): chr16:30,067,317, C>T. VCF-style: chr16-30067317-C-T. GRCh37 (hg19) VCF-style: chr16-30078638-C-T.
Other names: c.*572C>T (NM_001365304.2, NM_001365305.2, NM_001365307.2); c.63C>T, p.His21= (NM_001127617.2, NM_184041.5, NM_184043.2).
Identifiers: ClinVar variation 382616 (VCV000382616.1), dbSNP rs11553110, ClinGen allele CA16607284.

ClinVar aggregate classification (germline): Likely benign (1 of 4 stars; one submission).

Allele frequency attached by ClinVar (database versions not stated): gnomAD exomes below 0.00001.
gnomAD v4.1: 5 of 1,613,436 alleles (0.00031%); highest among the groups gnomAD compares: Non-Finnish European, 0.00042%; no homozygotes.

Submission:

GeneDx
Classification: Likely benign. Last evaluated: 2016-08-10. Review status: criteria provided, single submitter. Criteria: GeneDx Variant Classification (06012015). Collection method: clinical testing. Allele origin: germline. Affected: yes.
Comment: This variant is considered likely benign or benign based on one or more of the following criteria: it is a conservative change, it occurs at a poorly conserved position in the protein, it is predicted to be benign by multiple in silico algorithms, and/or has population frequency not consistent with disease.